The following is an entry in ClinVar:

ClinVar aggregate classification (germline): Pathogenic (1 of 4 stars; one submission).

Conditions:
Congenital myasthenic syndrome 13 (CMS13). Also called: Myasthenic syndrome, congenital, with tubular aggregates 2; Myasthenic syndrome, congenital, 13, with tubular aggregates. Identifiers: Orphanet 353327, Orphanet 590, MedGen C3553645, MONDO:0013883, OMIM 614750.
DPAGT1-congenital disorder of glycosylation. Also called: CONGENITAL DISORDER OF GLYCOSYLATION, TYPE Ij; CDG Ij; DPAGT1-CDG. Identifiers: Orphanet 86309, MedGen C2931004, MONDO:0011964, OMIM 608093.

Allele frequency attached by ClinVar (database versions not stated): TOPMed below 0.00001; ExAC 0.00001; gnomAD 0.00001.

Submission:

Labcorp Genetics (formerly Invitae), Labcorp
Classification: Pathogenic for Congenital myasthenic syndrome 13; DPAGT1-congenital disorder of glycosylation. Last evaluated: 2023-11-24. Review status: criteria provided, single submitter. Criteria: Invitae Variant Classification Sherloc (09022015). Collection method: clinical testing. Allele origin: germline.
Comment: This sequence change creates a premature translational stop signal (p.Tyr244*) in the DPAGT1 gene. It is expected to result in an absent or disrupted protein product. Loss-of-function variants in DPAGT1 are known to be pathogenic (PMID: 22742743). This variant is present in population databases (rs762750243, gnomAD 0.007%). This variant has not been reported in the literature in individuals affected with DPAGT1-related conditions. For these reasons, this variant has been classified as Pathogenic.

Literature cited by the submitters: PubMed 22742743.

NM_001382.4(DPAGT1):c.732C>A (p.Tyr244Ter)

Gene: DPAGT1 (dolichyl-phosphate N-acetylglucosaminephosphotransferase 1; minus strand). Cytogenetic location: 11q23.3.
Variant type: single nucleotide variant.
Coding change: c.732C>A on transcript NM_001382.4 (MANE Select); coding-DNA position 732, C replaced by A.
Protein change: p.Tyr244Ter; replaces tyrosine 244 with a stop codon.
Molecular consequence: nonsense.
Genome position (GRCh38, 1-based): chr11:119,098,040, G>T on the plus strand (C>A on the coding strand, the complement: DPAGT1 is on the minus strand). VCF-style: chr11-119098040-G-T. GRCh37 (hg19) VCF-style: chr11-118968750-G-T.
Other names: short protein forms Y244*.
Identifiers: ClinVar variation 2927002 (VCV002927002.3), dbSNP rs762750243, ClinGen allele CA6314536.